The following is an entry in ClinVar:

NM_001042646.3(TRAK1):c.1860C>T (p.Asp620=)

Gene: TRAK1 (trafficking kinesin protein 1; plus strand). Cytogenetic location: 3p22.1.
Variant type: single nucleotide variant.
Coding change: c.1860C>T on transcript NM_001042646.3 (MANE Select); coding-DNA position 1860, C replaced by T.
Protein change: p.Asp620=; no amino-acid change (aspartic acid 620 retained).
Molecular consequence: synonymous variant. On other transcripts: non-coding transcript variant (1).
Genome position (GRCh38, 1-based): chr3:42,209,882, C>T. VCF-style: chr3-42209882-C-T. GRCh37 (hg19) VCF-style: chr3-42251374-C-T.
Other names: c.1860C>T (NM_001042646.2); c.1860C>T, p.Asp620= (NM_001265608.2, NM_001349246.2, NM_001349247.2); c.1638C>T, p.Asp546= (NM_001265609.2, NM_001349248.1, NM_001349249.1); c.1548C>T, p.Asp516= (NM_001349245.1); c.1686C>T, p.Asp562= (NM_014965.5).
Identifiers: ClinVar variation 1649699 (VCV001649699.11), dbSNP rs146401885, ClinGen allele CA2333642.

ClinVar aggregate classification (germline): Likely benign. Review status: criteria provided, multiple submitters, no conflicts (2 of 4 stars). 3 submissions from 3 submitters: Likely benign (2). 1 of the submissions does not count toward it. Last evaluated 2025-11-18.

Conditions:
TRAK1-related disorder. Also called: TRAK1-related condition.

Allele frequency attached by ClinVar (database versions not stated): ExAC 0.00044; gnomAD exomes 0.00060 and 0.00097; ESP Exome Variant Server 0.00069; gnomAD 0.00074 and 0.00078; TOPMed 0.00077; 1000 Genomes Project 30x 0.00078; 1000 Genomes Project 0.00080.
gnomAD v4.1: 1,509 of 1,614,186 alleles (0.093%); highest among the groups gnomAD compares: Non-Finnish European, 0.11%; 4 homozygotes.

Submissions (3):

Labcorp Genetics (formerly Invitae), Labcorp
Classification: Likely benign. Last evaluated: 2025-11-18. Review status: criteria provided, single submitter. Criteria: Invitae Variant Classification Sherloc (09022015). Collection method: clinical testing. Allele origin: germline.

Blueprint Genetics
Classification: Likely benign. Last evaluated: 2024-11-25. Review status: criteria provided, single submitter. Criteria: ACMG Guidelines, 2015. Collection method: clinical testing. Allele origin: germline.

PreventionGenetics, part of Exact Sciences
Classification: Likely benign for TRAK1-related condition. Last evaluated: 2019-04-05. Review status: no assertion criteria provided. Collection method: clinical testing. Allele origin: germline. Not counted in ClinVar's aggregate classification.
Comment: This variant is classified as likely benign based on ACMG/AMP sequence variant interpretation guidelines (Richards et al. 2015 PMID: 25741868, with internal and published modifications).